The following is an entry in ClinVar:

NM_005807.6(PRG4):c.634C>T (p.Pro212Ser)

Gene: PRG4 (proteoglycan 4; plus strand). Cytogenetic location: 1q31.1.
Variant type: single nucleotide variant.
Coding change: c.634C>T on transcript NM_005807.6 (MANE Select); coding-DNA position 634, C replaced by T.
Protein change: p.Pro212Ser; replaces proline 212 with serine.
Molecular consequence: missense variant.
Genome position (GRCh38, 1-based): chr1:186,306,353, C>T. VCF-style: chr1-186306353-C-T. GRCh37 (hg19) VCF-style: chr1-186275485-C-T.
Other names: c.511C>T, p.Pro171Ser (NM_001127708.3); c.355C>T, p.Pro119Ser (NM_001127709.3); c.232C>T, p.Pro78Ser (NM_001127710.3); c.505C>T, p.Pro169Ser (NM_001303232.2); short protein forms P119S, P169S, P171S, P212S, P78S.
Identifiers: ClinVar variation 3051195 (VCV003051195.2), dbSNP rs561048279, ClinGen allele CA1295915.

ClinVar aggregate classification (germline): Likely benign (0 of 4 stars; one submission).

Conditions:
PRG4-related disorder. Also called: PRG4-related condition.

Allele frequency attached by ClinVar (database versions not stated): TOPMed 0.00002; gnomAD 0.00009; gnomAD exomes 0.00024; ExAC 0.00053; 1000 Genomes Project 0.00100; 1000 Genomes Project 30x 0.00109.
gnomAD v4.1: 359 of 1,606,948 alleles (0.022%); highest among the groups gnomAD compares: South Asian, 0.39%; 2 homozygotes.

Submission:

PreventionGenetics, part of Exact Sciences
Classification: Likely benign for PRG4-related condition. Last evaluated: 2022-04-06. Review status: no assertion criteria provided. Collection method: clinical testing. Allele origin: germline.
Comment: This variant is classified as likely benign based on ACMG/AMP sequence variant interpretation guidelines (Richards et al. 2015 PMID: 25741868, with internal and published modifications).